The following is an entry in ClinVar:

ClinVar aggregate classification (germline): Conflicting classifications of pathogenicity. Review status: criteria provided, conflicting classifications (1 of 4 stars). 3 submissions from 3 submitters: Uncertain significance (1); Likely benign (2). Last evaluated 2025-07-27.

Conditions:
Hereditary cancer-predisposing syndrome. Also called: Tumor predisposition; Neoplastic Syndromes, Hereditary; Hereditary Cancer Syndrome; Hereditary neoplastic syndrome. Identifiers: Orphanet 140162, MedGen C0027672, MeSH D009386, MONDO:0015356.
Microcephaly, normal intelligence and immunodeficiency (NBS). Also called: Nijmegen breakage syndrome; Microcephaly with normal intelligence immunodeficiency and lymphoreticular malignancies; Nonsyndromal microcephaly autosomal recessive with normal intelligence; Seemanova syndrome 2; Immunodeficiency, microcephaly with normal intelligence; BERLIN BREAKAGE SYNDROME. Identifiers: Orphanet 647, MedGen C0398791, MONDO:0009623, OMIM 251260.

Submissions (3):

Labcorp Genetics (formerly Invitae), Labcorp
Classification: Likely benign for Microcephaly, normal intelligence and immunodeficiency. Last evaluated: 2025-07-27. Review status: criteria provided, single submitter. Criteria: Invitae Variant Classification Sherloc (09022015). Collection method: clinical testing. Allele origin: germline.

GeneDx
Classification: Likely benign. Last evaluated: 2017-08-24. Review status: criteria provided, single submitter. Criteria: GeneDx Variant Classification (06012015). Collection method: clinical testing. Allele origin: germline. Affected: yes.
Comment: This variant is considered likely benign or benign based on one or more of the following criteria: it is a conservative change, it occurs at a poorly conserved position in the protein, it is predicted to be benign by multiple in silico algorithms, and/or has population frequency not consistent with disease.

Ambry Genetics
Classification: Uncertain significance for Hereditary cancer-predisposing syndrome. Last evaluated: 2015-07-02. Review status: criteria provided, single submitter. Criteria: Ambry Variant Classification Scheme 2023. Collection method: clinical testing. Allele origin: germline.
Comment: The c.897-18dupA alteration is located in Intron 7 (E) of the NBN gene. This alteration consists of a duplication of 0 nucleotides at nucleotide position c.897-18 within Intron 7 (E). Based on insufficient or conflicting evidence, the clinical significance of this alteration remains unclear.

NM_002485.5(NBN):c.897-18dup

Gene: NBN (nibrin; minus strand). Cytogenetic location: 8q21.3.
Variant type: Duplication.
Coding change: c.897-18dup on transcript NM_002485.5 (MANE Select); 18 bases into the intron before coding-DNA position 897, one base duplicated (A; older notation c.897-18dupA).
Molecular consequence: intron variant.
Genome position (GRCh38, 1-based): chr8:89,964,525, T duplicated on the plus strand (A on the coding strand, the reverse complement: NBN is on the minus strand); the first of 3 consecutive T bases (chr8:89,964,525-89,964,527); duplicating any one gives the same sequence. VCF-style (leftmost placement, unchanged base first): chr8-89964524-G-GT. GRCh37 (hg19) VCF-style: chr8-90976752-G-GT.
Other names: c.897-18dupA (NM_002485.4); c.651-18dup (NM_001024688.3).
Identifiers: ClinVar variation 418375 (VCV000418375.11), dbSNP rs957902993, ClinGen allele CA16618702.